The following is an entry in ClinVar:

ClinVar aggregate classification (germline): Conflicting classifications of pathogenicity. Review status: criteria provided, conflicting classifications (1 of 4 stars). 6 submissions from 6 submitters: Uncertain significance (1); Likely benign (5). Last evaluated 2025-10-14.

Conditions:
Giant axonal neuropathy 1 (GAN1). Also called: GIANT AXONAL NEUROPATHY 1, AUTOSOMAL RECESSIVE; GAN-Related Neurodegeneration. Identifiers: Orphanet 643, MedGen C1850386, MONDO:0009749, OMIM 256850.

Allele frequency attached by ClinVar (database versions not stated): ESP Exome Variant Server 0.00008; TOPMed 0.00008; gnomAD exomes 0.00010 and 0.00011; gnomAD 0.00011; ExAC 0.00012.
gnomAD v4.1: 156 of 1,613,816 alleles (0.0097%); highest among the groups gnomAD compares: Middle Eastern, 0.099%; no homozygotes.

Submissions (6):

Labcorp Genetics (formerly Invitae), Labcorp
Classification: Likely benign for Giant axonal neuropathy 1. Last evaluated: 2025-10-14. Review status: criteria provided, single submitter. Criteria: Invitae Variant Classification Sherloc (09022015). Collection method: clinical testing. Allele origin: germline.

Mayo Clinic Laboratories, Mayo Clinic
Classification: Likely benign. Last evaluated: 2025-10-01. Review status: criteria provided, single submitter. Criteria: ACMG Guidelines, 2015. Collection method: clinical testing. Allele origin: germline. Observed: 1 variant allele.
Comment: BP4, BP7

CeGaT Center for Human Genetics Tuebingen
Classification: Likely benign. Last evaluated: 2025-04-01. Review status: criteria provided, single submitter. Criteria: CeGaT Center For Human Genetics Tuebingen Variant Classification Criteria Version 2. Collection method: clinical testing. Allele origin: germline. Affected: yes. Observed: 4 variant alleles.
Comment: GAN: BP4, BP7

Blueprint Genetics
Classification: Likely benign. Last evaluated: 2024-04-15. Review status: criteria provided, single submitter. Criteria: ACMG Guidelines, 2015. Collection method: clinical testing. Allele origin: germline.

GeneDx
Classification: Likely benign. Last evaluated: 2019-03-25. Review status: criteria provided, single submitter. Criteria: GeneDx Variant Classification Process June 2021. Collection method: clinical testing. Allele origin: germline. Affected: yes.

Illumina Laboratory Services, Illumina
Classification: Uncertain significance for Giant axonal neuropathy 1. Last evaluated: 2018-01-13. Review status: criteria provided, single submitter. Criteria: ICSL Variant Classification Criteria 13 December 2019. Collection method: clinical testing. Allele origin: germline.

NM_022041.4(GAN):c.1323T>C (p.Tyr441=)

Gene: GAN (gigaxonin; plus strand). Cytogenetic location: 16q23.2.
Variant type: single nucleotide variant.
Coding change: c.1323T>C on transcript NM_022041.4 (MANE Select); coding-DNA position 1323, T replaced by C.
Protein change: p.Tyr441=; no amino-acid change (tyrosine 441 retained).
Molecular consequence: synonymous variant.
Genome position (GRCh38, 1-based): chr16:81,365,060, T>C. VCF-style: chr16-81365060-T-C. GRCh37 (hg19) VCF-style: chr16-81398665-T-C.
Other names: p.Tyr441=; c.684T>C, p.Tyr228= (NM_001377486.1).
Identifiers: ClinVar variation 698178 (VCV000698178.53), dbSNP rs368072478, ClinGen allele CA8191703.